The following is an entry in ClinVar:

ClinVar aggregate classification (germline): Uncertain significance. Review status: criteria provided, multiple submitters, no conflicts (2 of 4 stars). 2 submissions from 2 submitters: Uncertain significance (2). Last evaluated 2025-06-20.

Conditions:
Cardiomyopathy (CMYO). Also called: Cardiomyopathies. Identifiers: Orphanet 167848, MedGen C0878544, MONDO:0004994, HP:0001638. Inheritance: Various modes of inheritance.
Catecholaminergic polymorphic ventricular tachycardia 1. Also called: VENTRICULAR TACHYCARDIA, CATECHOLAMINERGIC POLYMORPHIC, 1, WITH OR WITHOUT ATRIAL DYSFUNCTION AND/OR DILATED CARDIOMYOPATHY; RYR2-Related Catecholaminergic Polymorphic Ventricular Tachycardia; VENTRICULAR TACHYCARDIA, STRESS-INDUCED POLYMORPHIC 1. Identifiers: Orphanet 3286, MedGen C1631597, MONDO:0011484, OMIM 604772.

Allele frequency attached by ClinVar (database versions not stated): gnomAD exomes below 0.00001 and 0.00002; gnomAD 0.00001; ExAC 0.00002.
gnomAD v4.1: 6 of 1,594,130 alleles (0.00038%); highest among the groups gnomAD compares: East Asian, 0.0022%; no homozygotes.

Submissions (2):

Color Diagnostics, LLC DBA Color Health
Classification: Uncertain significance for Cardiomyopathy. Last evaluated: 2025-06-20. Review status: criteria provided, single submitter. Criteria: ACMG Guidelines, 2015. Collection method: clinical testing. Allele origin: germline.
Comment: This missense variant replaces proline with leucine at codon 2260 of the RYR2 protein. Computational prediction tool is inconclusive regarding the impact of this variant on protein structure and function. To our knowledge, functional studies have not been reported for this variant. This variant has not been reported in individuals affected with RYR2-related disorders in the literature. This variant has been identified in 5/256794 chromosomes in the general population by the Genome Aggregation Database (gnomAD). The available evidence is insufficient to determine the role of this variant in disease conclusively. Therefore, this variant is classified as a Variant of Uncertain Significance.

Labcorp Genetics (formerly Invitae), Labcorp
Classification: Uncertain significance for Catecholaminergic polymorphic ventricular tachycardia 1. Last evaluated: 2023-08-06. Review status: criteria provided, single submitter. Criteria: Invitae Variant Classification Sherloc (09022015). Collection method: clinical testing. Allele origin: germline.
Comment: This sequence change replaces proline, which is neutral and non-polar, with leucine, which is neutral and non-polar, at codon 2260 of the RYR2 protein (p.Pro2260Leu). The frequency data for this variant in the population databases is considered unreliable, as metrics indicate poor data quality at this position in the gnomAD database. This variant has not been reported in the literature in individuals affected with RYR2-related conditions. ClinVar contains an entry for this variant (Variation ID: 924403). Advanced modeling of protein sequence and biophysical properties (such as structural, functional, and spatial information, amino acid conservation, physicochemical variation, residue mobility, and thermodynamic stability) has been performed at Invitae for this missense variant, however the output from this modeling did not meet the statistical confidence thresholds required to predict the impact of this variant on RYR2 protein function. In summary, the available evidence is currently insufficient to determine the role of this variant in disease. Therefore, it has been classified as a Variant of Uncertain Significance.

NM_001035.3(RYR2):c.6779C>T (p.Pro2260Leu)

Gene: RYR2 (ryanodine receptor 2; plus strand). Cytogenetic location: 1q43.
Variant type: single nucleotide variant.
Coding change: c.6779C>T on transcript NM_001035.3 (MANE Select); coding-DNA position 6779, C replaced by T.
Protein change: p.Pro2260Leu; replaces proline 2260 with leucine.
Molecular consequence: missense variant.
Genome position (GRCh38, 1-based): chr1:237,634,979, C>T. VCF-style: chr1-237634979-C-T. GRCh37 (hg19) VCF-style: chr1-237798279-C-T.
Other names: short protein forms P2260L.
Identifiers: ClinVar variation 924403 (VCV000924403.8), dbSNP rs746319435, ClinGen allele CA087211.
Genomic context (GRCh38, chr1:237,634,979, plus strand): 5'-TGGATGTGGCTGCAGCTTCGGTGATGGATAATAATGAACTAGCATTAGCTCTGCGTGAGC[C>T]GGATCTAGAAAAGGTGAGCAATGTTCCTGCCCTGTGTGTTTGTCTGAATTATGCTTTTTC-3'
Protein context (NP_001026.2, residues 2250-2270): NNELALALRE[Pro2260Leu]DLEKVVRYLA